The following is an entry in ClinVar:

NM_001354483.2(CSGALNACT1):c.428A>G (p.Tyr143Cys)

Gene: CSGALNACT1 (chondroitin sulfate N-acetylgalactosaminyltransferase 1; minus strand). Cytogenetic location: 8p21.3.
Variant type: single nucleotide variant.
Coding change: c.428A>G on transcript NM_001354483.2 (MANE Select); coding-DNA position 428, A replaced by G.
Protein change: p.Tyr143Cys; replaces tyrosine 143 with cysteine.
Molecular consequence: missense variant. On other transcripts: non-coding transcript variant (7).
Genome position (GRCh38, 1-based): chr8:19,505,407, T>C on the plus strand (A>G on the coding strand, the complement: CSGALNACT1 is on the minus strand). VCF-style: chr8-19505407-T-C. GRCh37 (hg19) VCF-style: chr8-19362918-T-C.
Other names: c.428A>G, p.Tyr143Cys (NM_001130518.2, NM_001354475.2, NM_001354476.2 and 18 more transcripts); c.428A>G (NM_001130518.1); short protein forms Y143C.
Identifiers: ClinVar variation 1585662 (VCV001585662.9), dbSNP rs146216886, ClinGen allele CA4654253.

ClinVar aggregate classification (germline): Likely benign. Review status: criteria provided, multiple submitters, no conflicts (2 of 4 stars). 2 submissions from 2 submitters: Likely benign (2). Last evaluated 2026-03-12.

Conditions:
CSGALNACT1-related disorder. Also called: CSGALNACT1-related condition.

Allele frequency attached by ClinVar (database versions not stated): gnomAD exomes 0.00007 and 0.00023; 1000 Genomes Project 30x 0.00031; ExAC 0.00031; 1000 Genomes Project 0.00040; gnomAD 0.00102 and 0.00116; TOPMed 0.00127; ESP Exome Variant Server 0.00161.
gnomAD v4.1: 274 of 1,614,214 alleles (0.017%); highest among the groups gnomAD compares: African/African-American, 0.32%; no homozygotes.

Submissions (2):

PreventionGenetics, part of Exact Sciences
Classification: Likely benign for CSGALNACT1-related condition. Last evaluated: 2026-03-12. Review status: criteria provided, single submitter. Criteria: ACMG Guidelines, 2015. Collection method: clinical testing. Allele origin: germline.
Comment: This variant is classified as likely benign based on ACMG/AMP sequence variant interpretation guidelines (Richards et al. 2015 PMID: 25741868, with internal and published modifications).

Labcorp Genetics (formerly Invitae), Labcorp
Classification: Likely benign. Last evaluated: 2026-01-26. Review status: criteria provided, single submitter. Criteria: Invitae Variant Classification Sherloc (09022015). Collection method: clinical testing. Allele origin: germline.